The following is an entry in ClinVar:

ClinVar aggregate classification (germline): Uncertain significance (1 of 4 stars; one submission).

Conditions:
Spastic paraplegia. Identifiers: MedGen C0037772, HP:0001258.

Allele frequency attached by ClinVar (database versions not stated): TOPMed below 0.00001.

Submission:

Labcorp Genetics (formerly Invitae), Labcorp
Classification: Uncertain significance for Spastic paraplegia. Last evaluated: 2021-08-26. Review status: criteria provided, single submitter. Criteria: Invitae Variant Classification Sherloc (09022015). Collection method: clinical testing. Allele origin: germline.
Comment: This sequence change replaces serine with glycine at codon 1160 of the ZFYVE26 protein (p.Ser1160Gly). The serine residue is moderately conserved and there is a small physicochemical difference between serine and glycine. This variant is not present in population databases (ExAC no frequency). This variant has not been reported in the literature in individuals affected with ZFYVE26-related conditions. Algorithms developed to predict the effect of missense changes on protein structure and function (SIFT, PolyPhen-2, Align-GVGD) all suggest that this variant is likely to be tolerated. In summary, the available evidence is currently insufficient to determine the role of this variant in disease. Therefore, it has been classified as a Variant of Uncertain Significance.

NM_015346.4(ZFYVE26):c.3478A>G (p.Ser1160Gly)

Gene: ZFYVE26 (zinc finger FYVE-type containing 26; minus strand). Cytogenetic location: 14q24.1.
Variant type: single nucleotide variant.
Coding change: c.3478A>G on transcript NM_015346.4 (MANE Select); coding-DNA position 3478, A replaced by G.
Protein change: p.Ser1160Gly; replaces serine 1160 with glycine.
Molecular consequence: missense variant.
Genome position (GRCh38, 1-based): chr14:67,785,104, T>C on the plus strand (A>G on the coding strand, the complement: ZFYVE26 is on the minus strand). VCF-style: chr14-67785104-T-C. GRCh37 (hg19) VCF-style: chr14-68251821-T-C.
Other names: short protein forms S1160G.
Identifiers: ClinVar variation 939866 (VCV000939866.7), dbSNP rs2039613065, ClinGen allele CA390172153.